The following is an entry in ClinVar:

ClinVar aggregate classification (germline): Uncertain significance (1 of 4 stars; one submission).

Submission:

GeneDx
Classification: Uncertain significance. Last evaluated: 2022-05-05. Review status: criteria provided, single submitter. Criteria: GeneDx Variant Classification Process June 2021. Collection method: clinical testing. Allele origin: germline. Affected: yes.
Comment: In silico analysis supports that this missense variant has a deleterious effect on protein structure/function; In silico analysis, which includes splice predictors and evolutionary conservation, suggests this variant may impact gene splicing. In the absence of RNA/functional studies, the actual effect of this sequence change is unknown.; Not observed at significant frequency in large population cohorts (gnomAD); Has not been previously published as pathogenic or benign to our knowledge

NM_000453.3(SLC5A5):c.855C>A (p.Asn285Lys)

Gene: SLC5A5 (solute carrier family 5 member 5; plus strand). Cytogenetic location: 19p13.11.
Variant type: single nucleotide variant.
Coding change: c.855C>A on transcript NM_000453.3 (MANE Select); coding-DNA position 855, C replaced by A.
Protein change: p.Asn285Lys; replaces asparagine 285 with lysine.
Molecular consequence: missense variant.
Genome position (GRCh38, 1-based): chr19:17,877,979, C>A. VCF-style: chr19-17877979-C-A. GRCh37 (hg19) VCF-style: chr19-17988788-C-A.
Other names: short protein forms N285K.
Identifiers: ClinVar variation 1723041 (VCV001723041.2), dbSNP rs2514624702, ClinGen allele CA404784150.